The following is an entry in ClinVar:

NM_001114753.3(ENG):c.1109T>A (p.Leu370Gln)

Gene: ENG (endoglin; minus strand). Cytogenetic location: 9q34.11.
Variant type: single nucleotide variant.
Coding change: c.1109T>A on transcript NM_001114753.3 (MANE Select); coding-DNA position 1109, T replaced by A.
Protein change: p.Leu370Gln; replaces leucine 370 with glutamine.
Molecular consequence: missense variant.
Genome position (GRCh38, 1-based): chr9:127,824,329, A>T on the plus strand (T>A on the coding strand, the complement: ENG is on the minus strand). VCF-style: chr9-127824329-A-T. GRCh37 (hg19) VCF-style: chr9-130586608-A-T.
Other names: c.1109T>A, p.Leu370Gln (NM_000118.4, NM_001406715.1); c.563T>A, p.Leu188Gln (NM_001278138.2); short protein forms L370Q, L188Q.
Identifiers: ClinVar variation 834205 (VCV000834205.11), dbSNP rs1830547696, ClinGen allele CA374980704.

ClinVar aggregate classification (germline): Uncertain significance (1 of 4 stars; one submission).

Conditions:
Hereditary hemorrhagic telangiectasia (HHT). Also called: ORW DISEASE; Osler Weber Rendu syndrome; OSLER-RENDU-WEBER DISEASE; Osler hemorrhagic telangiectasia syndrome. Identifiers: Orphanet 774, MedGen C0039445, MONDO:0019180. Disease mechanism: loss of function.

Submission:

Labcorp Genetics (formerly Invitae), Labcorp
Classification: Uncertain significance for Hereditary hemorrhagic telangiectasia. Last evaluated: 2022-07-12. Review status: criteria provided, single submitter. Criteria: Invitae Variant Classification Sherloc (09022015). Collection method: clinical testing. Allele origin: germline.
Comment: ClinVar contains an entry for this variant (Variation ID: 834205). This sequence change replaces leucine, which is neutral and non-polar, with glutamine, which is neutral and polar, at codon 370 of the ENG protein (p.Leu370Gln). This variant is not present in population databases (gnomAD no frequency). This variant has not been reported in the literature in individuals affected with ENG-related conditions. Advanced modeling of protein sequence and biophysical properties (such as structural, functional, and spatial information, amino acid conservation, physicochemical variation, residue mobility, and thermodynamic stability) performed at Invitae indicates that this missense variant is expected to disrupt ENG protein function. Algorithms developed to predict the effect of sequence changes on RNA splicing suggest that this variant may disrupt the consensus splice site. In summary, the available evidence is currently insufficient to determine the role of this variant in disease. Therefore, it has been classified as a Variant of Uncertain Significance.